The following is an entry in ClinVar:

ClinVar aggregate classification (germline): Uncertain significance (1 of 4 stars; one submission).

Conditions:
BRD4-related disorder. Also called: BRD4-related condition.

Submission:

PreventionGenetics, part of Exact Sciences
Classification: Uncertain significance for BRD4-related condition. Last evaluated: 2023-04-20. Review status: criteria provided, single submitter. Criteria: ACMG Guidelines, 2015. Collection method: clinical testing. Allele origin: germline.
Comment: The BRD4 c.577G>C variant is predicted to result in the amino acid substitution p.Val193Leu. To our knowledge, this variant has not been reported in the literature or in a large population database, indicating this variant is rare. At this time, the clinical significance of this variant is uncertain due to the absence of conclusive functional and genetic evidence.

NM_001379291.1(BRD4):c.577G>C (p.Val193Leu)

Gene: BRD4 (bromodomain containing 4; minus strand). Cytogenetic location: 19p13.12.
Variant type: single nucleotide variant.
Coding change: c.577G>C on transcript NM_001379291.1 (MANE Select); coding-DNA position 577, G replaced by C.
Protein change: p.Val193Leu; replaces valine 193 with leucine.
Molecular consequence: missense variant.
Genome position (GRCh38, 1-based): chr19:15,265,626, C>G on the plus strand (G>C on the coding strand, the complement: BRD4 is on the minus strand). VCF-style: chr19-15265626-C-G. GRCh37 (hg19) VCF-style: chr19-15376437-C-G.
Other names: c.577G>C, p.Val193Leu (NM_001330384.2, NM_001379292.1, NM_014299.3 and 1 more transcripts); short protein forms V193L.
Identifiers: ClinVar variation 2632926 (VCV002632926.1), dbSNP rs202093296, ClinGen allele CA404485365.
Genomic context (GRCh38, chr19:15,265,626, plus strand): 5'-GCTGAGGGGTCTGGGTCTGCGGAGGAGTCGATGCTTGAGTTGTGTTTGGTACCGTGGAAA[C>G]GCCAGGTTTTGCTGTCCCTACAAATCATAATAAGACGGCGAGTTAGAGACCATGCTGACA-3'
Protein context (NP_001366220.1, residues 183-203): RKETGTAKPG[Val193Leu]STVPNTTQAS